The following is an entry in ClinVar:

NM_203290.4(POLR1C):c.835C>T (p.Arg279Trp)

Gene: POLR1C (RNA polymerase I and III subunit C; plus strand). Cytogenetic location: 6p21.1.
Variant type: single nucleotide variant.
Coding change: c.835C>T on transcript NM_203290.4 (MANE Select); coding-DNA position 835, C replaced by T.
Protein change: p.Arg279Trp; replaces arginine 279 with tryptophan.
Molecular consequence: missense variant.
Genome position (GRCh38, 1-based): chr6:43,520,961, C>T. VCF-style: chr6-43520961-C-T. GRCh37 (hg19) VCF-style: chr6-43488699-C-T.
Other names: c.835C>T, p.Arg279Trp (NM_001318876.2, NM_001363658.2); short protein forms R279W.
Identifiers: ClinVar variation 30815 (VCV000030815.10), dbSNP rs141156009, ClinGen allele CA259912.

ClinVar aggregate classification (germline): Pathogenic/Likely pathogenic. Review status: criteria provided, multiple submitters, no conflicts (2 of 4 stars). 6 submissions from 6 submitters: Pathogenic (3); Likely pathogenic (2). 1 of the submissions does not count toward it. Last evaluated 2026-01-12.

Conditions:
Treacher Collins syndrome 3 (TCS3). Also called: POLR1C-Related Treacher Collins Syndrome. Identifiers: Orphanet 861, MedGen C1855433, MONDO:0009558, OMIM 248390.
Leukodystrophy, hypomyelinating, 11. Identifiers: Orphanet 88637, MedGen C4225305, MONDO:0014666, OMIM 616494.

Allele frequency attached by ClinVar (database versions not stated): gnomAD 0.00008 and 0.00007; gnomAD exomes 0.00004; ExAC 0.00007; ESP Exome Variant Server 0.00008; TOPMed 0.00007.
gnomAD v4.1: 68 of 1,614,048 alleles (0.0042%); highest among the groups gnomAD compares: Middle Eastern, 0.049%; no homozygotes.

Submissions (6):

Labcorp Genetics (formerly Invitae), Labcorp
Classification: Pathogenic. Last evaluated: 2026-01-12. Review status: criteria provided, single submitter. Criteria: Invitae Variant Classification Sherloc (09022015). Collection method: clinical testing. Allele origin: germline.
Comment: This sequence change replaces arginine, which is basic and polar, with tryptophan, which is neutral and slightly polar, at codon 279 of the POLR1C protein (p.Arg279Trp). This variant is present in population databases (rs141156009, gnomAD 0.02%). This missense change has been observed in individual(s) with Treacher Collins syndrome (PMID: 21131976). In at least one individual the data is consistent with being in trans (on the opposite chromosome) from a pathogenic variant. ClinVar contains an entry for this variant (Variation ID: 30815). Invitae Evidence Modeling of protein sequence and biophysical properties (such as structural, functional, and spatial information, amino acid conservation, physicochemical variation, residue mobility, and thermodynamic stability) indicates that this missense variant is expected to disrupt POLR1C protein function with a positive predictive value of 80%. This variant disrupts the p.Arg279 amino acid residue in POLR1C. Other variant(s) that disrupt this residue have been determined to be pathogenic (PMID: 21131976, 30957429). This suggests that this residue is clinically significant, and that variants that disrupt this residue are likely to be disease-causing. For these reasons, this variant has been classified as Pathogenic.

Fulgent Genetics
Classification: Likely pathogenic for Treacher Collins syndrome 3; Leukodystrophy, hypomyelinating, 11. Last evaluated: 2024-02-27. Review status: criteria provided, single submitter. Criteria: ACMG Guidelines, 2015. Collection method: clinical testing. Allele origin: germline.

GeneDx
Classification: Pathogenic. Last evaluated: 2016-12-27. Review status: criteria provided, single submitter. Criteria: GeneDx Variant Classification (06012015). Collection method: clinical testing. Allele origin: germline. Affected: yes.
Comment: The R279W variant in the POLR1C gene has been reported previously in an individual with Treacher Collinssyndrome who was compound heterozygous for the R279W variant and a truncating variant (Dauwerse et al., 2011).The R279W variant was not observed with any significant frequency in approximately 6500 individuals of Europeanand African American ancestry in the NHLBI Exome Sequencing Project, indicating it is not a common benignvariant in these populations. The R279W variant is a non-conservative amino acid substitution, which occurs at aposition that is conserved across species. In silico analysis predicts this variant is probably damaging to the proteinstructure/function. The functional importance of the R279 residue is supported by the presence of a different missensevariant (R279Q) reported in two affected siblings with TCS who harbored another POLR1C variant (phase notconfirmed), as well as in an unrelated individual with TCS who was compound heterozygous for R279Q and anonsense variant in POLR1C (Dauwerse et al., 2011). Therefore, we interpret R279W as a pathogenic variant.

Juno Genomics, Hangzhou Juno Genomics, Inc
Classification: Likely pathogenic for Treacher Collins syndrome 3; Leukodystrophy, hypomyelinating, 11. Review status: criteria provided, single submitter. Criteria: ACMG Guidelines, 2015. Collection method: clinical testing. Allele origin: germline. Affected: yes.
Comment: Absent from controls (or at extremely low frequency if recessive) in Genome Aggregation Database, Exome Sequencing Project, 1000 Genomes Project, or Exome Aggregation Consortium.;Multiple lines of computational evidence support a deleterious effect on the gene or gene product (conservation, evolutionary, splicing impact, etc).;For recessive disorders, detected in trans with a pathogenic variant.;Patient's phenotype or family history is highly specific for a disease with a single genetic etiology.

MyeliNeuroGene Lab, McGill University Health Center Research Institute
Classification: Pathogenic for Leukodystrophy, hypomyelinating, 11. Review status: criteria provided, single submitter. Criteria: ACMG Guidelines, 2015. Collection method: research. Allele origin: inherited. Inheritance: Autosomal recessive inheritance. Affected: no.

OMIM
Classification: Pathogenic for TREACHER COLLINS SYNDROME 3. Last evaluated: 2011-01-01. Review status: no assertion criteria provided. Collection method: literature only. Allele origin: germline. Not counted in ClinVar's aggregate classification.

Literature cited by the submitters: PubMed 21131976 (cited by Labcorp Genetics (formerly Invitae), Labcorp and OMIM); PubMed 30957429 (cited by Labcorp Genetics (formerly Invitae), Labcorp); PubMed 610060 (cited by MyeliNeuroGene Lab, McGill University Health Center Research Institute).